The following is an entry in ClinVar:

NM_002609.4(PDGFRB):c.2410G>A (p.Val804Met)

Gene: PDGFRB (platelet derived growth factor receptor beta; minus strand). Cytogenetic location: 5q32.
Variant type: single nucleotide variant.
Coding change: c.2410G>A on transcript NM_002609.4 (MANE Select); coding-DNA position 2410, G replaced by A.
Protein change: p.Val804Met; replaces valine 804 with methionine.
Molecular consequence: missense variant.
Genome position (GRCh38, 1-based): chr5:150,121,257, C>T on the plus strand (G>A on the coding strand, the complement: PDGFRB is on the minus strand). VCF-style: chr5-150121257-C-T. GRCh37 (hg19) VCF-style: chr5-149500820-C-T.
Other names: c.2218G>A, p.Val740Met (NM_001355016.2); c.1927G>A, p.Val643Met (NM_001355017.2); short protein forms V643M, V740M, V804M.
Identifiers: ClinVar variation 3371550 (VCV003371550.1).

ClinVar aggregate classification (germline): Uncertain significance (1 of 4 stars; one submission).

gnomAD v4.1: 28 of 1,609,106 alleles (0.0017%); highest among the groups gnomAD compares: East Asian, 0.0022%; no homozygotes.

Submission:

GeneDx
Classification: Uncertain significance. Last evaluated: 2024-03-28. Review status: criteria provided, single submitter. Criteria: GeneDx Variant Classification Process June 2021. Collection method: clinical testing. Allele origin: germline. Affected: yes.
Comment: In silico analysis supports that this missense variant does not alter protein structure/function; Has not been previously published as pathogenic or benign to our knowledge